The following is an entry in ClinVar:

NM_001999.4(FBN2):c.1072T>C (p.Cys358Arg)

Gene: FBN2 (fibrillin 2; minus strand). Cytogenetic location: 5q23.3.
Variant type: single nucleotide variant.
Coding change: c.1072T>C on transcript NM_001999.4 (MANE Select); coding-DNA position 1072, T replaced by C.
Protein change: p.Cys358Arg; replaces cysteine 358 with arginine.
Molecular consequence: missense variant.
Genome position (GRCh38, 1-based): chr5:128,408,680, A>G on the plus strand (T>C on the coding strand, the complement: FBN2 is on the minus strand). VCF-style: chr5-128408680-A-G. GRCh37 (hg19) VCF-style: chr5-127744373-A-G.
Other names: short protein forms C358R.
Identifiers: ClinVar variation 2812061 (VCV002812061.3), dbSNP rs375957278, ClinGen allele CA360753129.

ClinVar aggregate classification (germline): Uncertain significance (1 of 4 stars; one submission).

Conditions:
Congenital contractural arachnodactyly (CCA). Also called: Arthrogryposis, distal, type 9; BEALS SYNDROME; Beals-Hecht syndrome. Identifiers: Orphanet 115, MedGen C0220668, MONDO:0007363, OMIM 121050.

Submission:

Labcorp Genetics (formerly Invitae), Labcorp
Classification: Uncertain significance for Congenital contractural arachnodactyly. Last evaluated: 2023-06-12. Review status: criteria provided, single submitter. Criteria: Invitae Variant Classification Sherloc (09022015). Collection method: clinical testing. Allele origin: germline.
Comment: In summary, the available evidence is currently insufficient to determine the role of this variant in disease. Therefore, it has been classified as a Variant of Uncertain Significance. Advanced modeling of protein sequence and biophysical properties (such as structural, functional, and spatial information, amino acid conservation, physicochemical variation, residue mobility, and thermodynamic stability) performed at Invitae indicates that this missense variant is expected to disrupt FBN2 protein function. This variant has not been reported in the literature in individuals affected with FBN2-related conditions. This variant is not present in population databases (gnomAD no frequency). This sequence change replaces cysteine, which is neutral and slightly polar, with arginine, which is basic and polar, at codon 358 of the FBN2 protein (p.Cys358Arg).